The following is an entry in ClinVar:

ClinVar aggregate classification (germline): Conflicting classifications of pathogenicity. Review status: criteria provided, conflicting classifications (1 of 4 stars). 2 submissions from 2 submitters: Uncertain significance (1); Likely benign (1). Last evaluated 2026-04-11.

Conditions:
Hereditary hemorrhagic telangiectasia (HHT). Also called: ORW DISEASE; Osler Weber Rendu syndrome; OSLER-RENDU-WEBER DISEASE; Osler hemorrhagic telangiectasia syndrome. Identifiers: Orphanet 774, MedGen C0039445, MONDO:0019180. Disease mechanism: loss of function.
Cardiovascular phenotype. Identifiers: MedGen CN230736.

Allele frequency attached by ClinVar (database versions not stated): TOPMed below 0.00001; gnomAD exomes below 0.00001.
gnomAD v4.1: 2 of 1,613,876 alleles (0.00012%); highest among the groups gnomAD compares: Non-Finnish European, 0.00017%; no homozygotes.

Submissions (2):

Ambry Genetics
Classification: Likely benign for Cardiovascular phenotype. Last evaluated: 2026-04-11. Review status: criteria provided, single submitter. Criteria: Ambry Variant Classification Scheme 2023. Collection method: clinical testing. Allele origin: germline.

Labcorp Genetics (formerly Invitae), Labcorp
Classification: Uncertain significance for Hereditary hemorrhagic telangiectasia. Last evaluated: 2022-08-23. Review status: criteria provided, single submitter. Criteria: Invitae Variant Classification Sherloc (09022015). Collection method: clinical testing. Allele origin: germline.
Comment: This sequence change replaces phenylalanine, which is neutral and non-polar, with leucine, which is neutral and non-polar, at codon 486 of the ENG protein (p.Phe486Leu). This variant is not present in population databases (gnomAD no frequency). This variant has not been reported in the literature in individuals affected with ENG-related conditions. ClinVar contains an entry for this variant (Variation ID: 1404798). Advanced modeling of protein sequence and biophysical properties (such as structural, functional, and spatial information, amino acid conservation, physicochemical variation, residue mobility, and thermodynamic stability) performed at Invitae indicates that this missense variant is not expected to disrupt ENG protein function. In summary, the available evidence is currently insufficient to determine the role of this variant in disease. Therefore, it has been classified as a Variant of Uncertain Significance.

NM_001114753.3(ENG):c.1456T>C (p.Phe486Leu)

Genes: ENG (endoglin; minus strand), LOC102723566 (uncharacterized LOC102723566; plus strand). Cytogenetic location: 9q34.11.
Variant type: single nucleotide variant.
Coding change: c.1456T>C on transcript NM_001114753.3 (MANE Select); coding-DNA position 1456, T replaced by C.
Protein change: p.Phe486Leu; replaces phenylalanine 486 with leucine.
Molecular consequence: missense variant. On other transcripts: non-coding transcript variant (1).
Genome position (GRCh38, 1-based): chr9:127,818,350, A>G on the plus strand (T>C on the coding strand, the complement: ENG is on the minus strand). VCF-style: chr9-127818350-A-G. GRCh37 (hg19) VCF-style: chr9-130580629-A-G.
Other names: c.1456T>C (NM_001114753.1); c.1456T>C, p.Phe486Leu (NM_000118.4); c.910T>C, p.Phe304Leu (NM_001278138.2); short protein forms F304L, F486L.
Identifiers: ClinVar variation 1404798 (VCV001404798.5), dbSNP rs1830385483, ClinGen allele CA374976014.